The following is an entry in ClinVar:

NM_004700.4(KCNQ4):c.397C>T (p.Leu133Phe)

Gene: KCNQ4 (potassium voltage-gated channel subfamily Q member 4; plus strand). Cytogenetic location: 1p34.2.
Variant type: single nucleotide variant.
Coding change: c.397C>T on transcript NM_004700.4 (MANE Select); coding-DNA position 397, C replaced by T.
Protein change: p.Leu133Phe; replaces leucine 133 with phenylalanine.
Molecular consequence: missense variant.
Genome position (GRCh38, 1-based): chr1:40,817,347, C>T. VCF-style: chr1-40817347-C-T. GRCh37 (hg19) VCF-style: chr1-41283019-C-T.
Other names: c.397C>T (NM_004700.3); c.397C>T, p.Leu133Phe (NM_172163.3); short protein forms L133F.
Identifiers: ClinVar variation 4768237 (VCV004768237.2).
Genomic context (GRCh38, chr1:40,817,347, plus strand): 5'-CTGGTGCTGTCTGTGCTGTCCACTATCCAGGAGCACCAGGAACTTGCCAACGAGTGTCTC[C>T]TCATCTTGGTAAGTGCTGGGAGTCCGGGACTGAGGGGGGCTGTGTGAGGTAGCACCTCTG-3'
Protein context (NP_004691.2, residues 123-143): EHQELANECL[Leu133Phe]ILEFVMIVVF

ClinVar aggregate classification (germline): Uncertain significance. Review status: criteria provided, multiple submitters, no conflicts (2 of 4 stars). 2 submissions from 2 submitters: Uncertain significance (2). Last evaluated 2026-06-15.

Conditions:
KCNQ4-related disorder. Also called: KCNQ4-related condition.

gnomAD v4.1: 3 of 1,613,202 alleles (0.00019%); highest among the groups gnomAD compares: African/African-American, 0.0027%; no homozygotes.

Submissions (2):

PreventionGenetics, part of Exact Sciences
Classification: Uncertain significance for KCNQ4-related condition. Last evaluated: 2026-06-15. Review status: criteria provided, single submitter. Criteria: ACMG Guidelines, 2015. Collection method: clinical testing. Allele origin: germline.
Comment: The KCNQ4 c.397C>T variant is predicted to result in the amino acid substitution p.Leu133Phe. To our knowledge, this variant has not been reported in the literature. This variant is reported in 0.0050% of alleles in individuals of East Asian descent in gnomAD. At this time, the clinical significance of this variant is uncertain due to the absence of conclusive functional and genetic evidence.

Labcorp Genetics (formerly Invitae), Labcorp
Classification: Uncertain significance. Last evaluated: 2025-04-21. Review status: criteria provided, single submitter. Criteria: Invitae Variant Classification Sherloc (09022015). Collection method: clinical testing. Allele origin: germline.
Comment: This sequence change replaces leucine, which is neutral and non-polar, with phenylalanine, which is neutral and non-polar, at codon 133 of the KCNQ4 protein (p.Leu133Phe). This variant is present in population databases (rs768933585, gnomAD 0.005%). This variant has not been reported in the literature in individuals affected with KCNQ4-related conditions. Invitae Evidence Modeling of protein sequence and biophysical properties (such as structural, functional, and spatial information, amino acid conservation, physicochemical variation, residue mobility, and thermodynamic stability) indicates that this missense variant is not expected to disrupt KCNQ4 protein function with a negative predictive value of 95%. In summary, the available evidence is currently insufficient to determine the role of this variant in disease. Therefore, it has been classified as a Variant of Uncertain Significance.